The following is an entry in ClinVar:

ClinVar aggregate classification (germline): Uncertain significance. Review status: criteria provided, multiple submitters, no conflicts (2 of 4 stars). 2 submissions from 2 submitters: Uncertain significance (2). Last evaluated 2025-05-29.

gnomAD v4.1: 1 of 1,614,010 alleles (0.000062%); highest among the groups gnomAD compares: African/African-American, 0.0013%; no homozygotes.

Submissions (2):

GeneDx
Classification: Uncertain significance. Last evaluated: 2025-05-29. Review status: criteria provided, single submitter. Criteria: GeneDx Variant Classification Process June 2021. Collection method: clinical testing. Allele origin: germline. Affected: yes.
Comment: Not observed at significant frequency in large population cohorts (gnomAD); In silico analysis suggests that this missense variant does not alter protein structure/function; Has not been previously published as pathogenic or benign to our knowledge

Labcorp Genetics (formerly Invitae), Labcorp
Classification: Uncertain significance. Last evaluated: 2023-08-01. Review status: criteria provided, single submitter. Criteria: Invitae Variant Classification Sherloc (09022015). Collection method: clinical testing. Allele origin: germline.
Comment: In summary, the available evidence is currently insufficient to determine the role of this variant in disease. Therefore, it has been classified as a Variant of Uncertain Significance. This variant is not present in population databases (gnomAD no frequency). This variant has not been reported in the literature in individuals affected with NSD1-related conditions. Advanced modeling of protein sequence and biophysical properties (such as structural, functional, and spatial information, amino acid conservation, physicochemical variation, residue mobility, and thermodynamic stability) has been performed at Invitae for this missense variant, however the output from this modeling did not meet the statistical confidence thresholds required to predict the impact of this variant on NSD1 protein function. This sequence change replaces glutamine, which is neutral and polar, with proline, which is neutral and non-polar, at codon 931 of the NSD1 protein (p.Gln931Pro).

NM_022455.5(NSD1):c.2792A>C (p.Gln931Pro)

Gene: NSD1 (nuclear receptor binding SET domain protein 1; plus strand). Cytogenetic location: 5q35.3.
Variant type: single nucleotide variant.
Coding change: c.2792A>C on transcript NM_022455.5 (MANE Select); coding-DNA position 2792, A replaced by C.
Protein change: p.Gln931Pro; replaces glutamine 931 with proline.
Molecular consequence: missense variant.
Genome position (GRCh38, 1-based): chr5:177,211,191, A>C. VCF-style: chr5-177211191-A-C. GRCh37 (hg19) VCF-style: chr5-176638192-A-C.
Other names: c.2039A>C, p.Gln680Pro (NM_001409305.1); c.1919A>C, p.Gln640Pro (NM_001409306.1, NM_001409307.1, NM_001409308.1 and 3 more transcripts); c.2792A>C, p.Gln931Pro (NM_001409301.1, NM_001409302.1, NM_001409303.1); c.2372A>C, p.Gln791Pro (NM_001409304.1); short protein forms Q640P, Q680P, Q791P, Q931P.
Identifiers: ClinVar variation 3627946 (VCV003627946.3).